The following is an entry in ClinVar:

ClinVar aggregate classification (germline): Pathogenic (1 of 4 stars; one submission).

Conditions:
Diamond-Blackfan anemia. Also called: Blackfan Diamond syndrome; Aregenerative anemia chronic congenital; Red cell aplasia, pure hereditary; Congenital hypoplastic anemia; Aase syndrome. Identifiers: Orphanet 124, MedGen C1260899, MeSH D029503, MONDO:0015253, HP:0004810.

Submission:

Labcorp Genetics (formerly Invitae), Labcorp
Classification: Pathogenic for Diamond-Blackfan anemia. Last evaluated: 2025-09-02. Review status: criteria provided, single submitter. Criteria: Invitae Variant Classification Sherloc (09022015). Collection method: clinical testing. Allele origin: germline.
Comment: This sequence change is expected to alter the c-terminus of the RPS19 protein (p.Asn142Thrfs*?). While this is not anticipated to result in nonsense mediated decay, it is expected to disrupt the last 4 amino acid(s) of the RPS19 protein and extend the protein by an uncertain number of additional amino acid residues. This variant is not present in population databases (gnomAD no frequency). This frameshift has been observed in individual(s) with clinical features of Diamond-Blackfan anemia (internal data). In at least one individual the variant was observed to be de novo. Experimental studies and prediction algorithms are not available or were not evaluated, and the functional significance of this variant is currently unknown. For these reasons, this variant has been classified as Pathogenic.

NM_001022.4(RPS19):c.423del (p.Asn142fs)

Genes: RPS19 (ribosomal protein S19; plus strand), RPS19-CD79A (RPS19-CD79A readthrough; plus strand). Cytogenetic location: 19q13.2.
Variant type: Deletion.
Coding change: c.423del on transcript NM_001022.4 (MANE Select); coding-DNA position 423, one base deleted (C; older notation c.423delC).
Protein change: p.Asn142fs; shifts the reading frame from asparagine 142.
Molecular consequence: frameshift variant.
Genome position (GRCh38, 1-based): chr19:41,871,362, C deleted; the last of 2 consecutive C bases (chr19:41,871,361-41,871,362); deleting either gives the same sequence. VCF-style (leftmost placement, unchanged base first): chr19-41871360-GC-G. GRCh37 (hg19) VCF-style: chr19-42375428-GC-G.
Other names: c.423del, p.Asn142fs (NM_001321483.2, NM_001321484.2); c.436del, p.Gln146fs (NM_001321485.2); short protein forms Q146fs, N142fs.
Identifiers: ClinVar variation 4715866 (VCV004715866.1).
Genomic context (GRCh38, chr19:41,871,360, plus strand): 5'-CCCAGCAGAGACCCCCTTGACTAACTTTTATTCTTCCATCTTTTCCCACAGGTGGCAGCT[GC>G]CAACAAGAAGCATTAGAACAAACCATGCTGGGTTAATAAATTGCCTCATTCGTAATCCTG-3'